The following is an entry in ClinVar:

ClinVar aggregate classification (germline): Uncertain significance (1 of 4 stars; one submission).

Conditions:
Dilated cardiomyopathy 1JJ (CMD1JJ). Identifiers: Orphanet 154, MedGen C3808935, MONDO:0014095, OMIM 615235.

Allele frequency attached by ClinVar (database versions not stated): ExAC 0.00001; gnomAD 0.00001.
gnomAD v4.1: 30 of 1,526,640 alleles (0.002%); highest among the groups gnomAD compares: Non-Finnish European, 0.0025%; no homozygotes.

Submission:

Labcorp Genetics (formerly Invitae), Labcorp
Classification: Uncertain significance for Dilated cardiomyopathy 1JJ. Last evaluated: 2025-12-29. Review status: criteria provided, single submitter. Criteria: Invitae Variant Classification Sherloc (09022015). Collection method: clinical testing. Allele origin: germline.
Comment: This sequence change falls in intron 5 of the LAMA4 gene. It does not directly change the encoded amino acid sequence of the LAMA4 protein. This variant is present in population databases (rs782273283, gnomAD 0.004%). This variant has not been reported in the literature in individuals affected with LAMA4-related conditions. ClinVar contains an entry for this variant (Variation ID: 2416640). Algorithms developed to predict the effect of sequence changes on RNA splicing suggest that this variant may create or strengthen a splice site. In summary, the available evidence is currently insufficient to determine the role of this variant in disease. Therefore, it has been classified as a Variant of Uncertain Significance.

NM_001105206.3(LAMA4):c.504-20T>C

Gene: LAMA4 (laminin subunit alpha 4; minus strand). Cytogenetic location: 6q21.
Variant type: single nucleotide variant.
Coding change: c.504-20T>C on transcript NM_001105206.3 (MANE Select); 20 bases into the intron before coding-DNA position 504, T replaced by C.
Molecular consequence: intron variant.
Genome position (GRCh38, 1-based): chr6:112,191,870, A>G on the plus strand (T>C on the coding strand, the complement: LAMA4 is on the minus strand). VCF-style: chr6-112191870-A-G. GRCh37 (hg19) VCF-style: chr6-112513072-A-G.
Other names: c.504-20T>C (NM_002290.5, NM_001105207.3).
Identifiers: ClinVar variation 2416640 (VCV002416640.5), dbSNP rs782273283, ClinGen allele CA3966110.